The following is an entry in ClinVar:

ClinVar aggregate classification (germline): Pathogenic (1 of 4 stars; one submission).

Submission:

GeneDx
Classification: Pathogenic. Last evaluated: 2025-09-04. Review status: criteria provided, single submitter. Criteria: GeneDx Variant Classification Process June 2021. Collection method: clinical testing. Allele origin: germline. Affected: yes.
Comment: Canonical splice site variant predicted to result in a null allele in a gene for which loss of function is a known mechanism of disease; Not observed at significant frequency in large population cohorts (gnomAD); Also known as IVS3-2A>G; This variant is associated with the following publications: (PMID: 15737214)

NM_000222.3(KIT):c.620-2A>G

Gene: KIT (KIT proto-oncogene, receptor tyrosine kinase; plus strand). Cytogenetic location: 4q12.
Variant type: single nucleotide variant.
Coding change: c.620-2A>G on transcript NM_000222.3 (MANE Select); the canonical splice acceptor site of the intron before coding-DNA position 620, A replaced by G.
Molecular consequence: splice acceptor variant.
Genome position (GRCh38, 1-based): chr4:54,699,628, A>G. VCF-style: chr4-54699628-A-G. GRCh37 (hg19) VCF-style: chr4-55565794-A-G.
Other names: c.620-2A>G (NM_001385284.1, NM_001385290.1, NM_001385288.1 and 4 more transcripts).
Identifiers: ClinVar variation 4813231 (VCV004813231.1).
Genomic context (GRCh38, chr4:54,699,628, plus strand): 5'-TAAATCAAAATTTCATGCTATAATACAAATTATTTGAGGGGCCACATTTCTTTTCATTCT[A>G]GCCTTCAAAGCTGTGCCTGTTGTGTCTGTGTCCAAAGCAAGCTATCTTCTTAGGGAAGGG-3'